The following is an entry in ClinVar:

ClinVar aggregate classification (germline): Uncertain significance (1 of 4 stars; one submission).

Submission:

Labcorp Genetics (formerly Invitae), Labcorp
Classification: Uncertain significance. Last evaluated: 2022-12-09. Review status: criteria provided, single submitter. Criteria: Invitae Variant Classification Sherloc (09022015). Collection method: clinical testing. Allele origin: unknown.
Comment: In summary, the available evidence is currently insufficient to determine the role of this variant in disease. Therefore, it has been classified as a Variant of Uncertain Significance. Experimental studies and prediction algorithms are not available or were not evaluated, and the functional significance of this variant is currently unknown. This variant has not been reported in the literature in individuals affected with PDE6A-related conditions. This variant is a gross deletion of the genomic region encompassing exon(s) 2-3 of the PDE6A gene. This variant would be expected to be in-frame, preserving the integrity of the reading frame.

NC_000005.9:g.(?_149313473)_(149314301_?)del

Gene: PDE6A (phosphodiesterase 6A; minus strand). Cytogenetic location: 5q32.
Variant type: Deletion.
Identifiers: ClinVar variation 3246445 (VCV003246445.1).